The following is an entry in ClinVar:

NM_001292063.2(OTOG):c.5459C>G (p.Ala1820Gly)

Gene: OTOG (otogelin; plus strand). Cytogenetic location: 11p15.1.
Variant type: single nucleotide variant.
Coding change: c.5459C>G on transcript NM_001292063.2 (MANE Select); coding-DNA position 5459, C replaced by G.
Protein change: p.Ala1820Gly; replaces alanine 1820 with glycine.
Molecular consequence: missense variant.
Genome position (GRCh38, 1-based): chr11:17,610,759, C>G. VCF-style: chr11-17610759-C-G. GRCh37 (hg19) VCF-style: chr11-17632306-C-G.
Other names: c.5495C>G, p.Ala1832Gly (NM_001277269.2); short protein forms A1832G, A1820G.
Identifiers: ClinVar variation 226897 (VCV000226897.15), dbSNP rs1003490, ClinGen allele CA5905925.

ClinVar aggregate classification (germline): Benign/Likely benign. Review status: criteria provided, multiple submitters, no conflicts (2 of 4 stars). 5 submissions from 5 submitters: Benign (4); Likely benign (1). Last evaluated 2026-02-01.

Allele frequency attached by ClinVar (database versions not stated): 1000 Genomes Project 0.00799; 1000 Genomes Project 30x 0.00984.
gnomAD v4.1: 2,783 of 1,549,914 alleles (0.18%); highest among the groups gnomAD compares: African/African-American, 3.4%; 39 homozygotes.

Submissions (5):

Labcorp Genetics (formerly Invitae), Labcorp
Classification: Benign. Last evaluated: 2026-02-01. Review status: criteria provided, single submitter. Criteria: Invitae Variant Classification Sherloc (09022015). Collection method: clinical testing. Allele origin: germline.

Blueprint Genetics
Classification: Likely benign. Last evaluated: 2024-11-27. Review status: criteria provided, single submitter. Criteria: ACMG Guidelines, 2015. Collection method: clinical testing. Allele origin: germline.

GeneDx
Classification: Benign. Last evaluated: 2018-01-12. Review status: criteria provided, single submitter. Criteria: GeneDx Variant Classification (06012015). Collection method: clinical testing. Allele origin: germline. Affected: yes.
Comment: This variant is considered likely benign or benign based on one or more of the following criteria: it is a conservative change, it occurs at a poorly conserved position in the protein, it is predicted to be benign by multiple in silico algorithms, and/or has population frequency not consistent with disease.

Laboratory for Molecular Medicine, Mass General Brigham Personalized Medicine
Classification: Benign. Last evaluated: 2015-07-20. Review status: criteria provided, single submitter. Criteria: LMM Criteria. Collection method: clinical testing. Allele origin: germline. Observed: 5 variant alleles.
Comment: p.Ala1832Gly in exon 35 of OTOG: This variant is not expected to have clinical s ignificance because it has been identified in 3.6% (34/940) of African chromosom es by the Exome Aggregation Consortium (ExAC; db SNP rs1003490).

Breakthrough Genomics
Classification: Benign. Review status: criteria provided, single submitter. Criteria: ACMG Guidelines, 2015. Collection method: not provided. Allele origin: germline. Inheritance: Autosomal recessive inheritance. Affected: yes.